The following is an entry in ClinVar:

ClinVar aggregate classification (germline): Benign/Likely benign. Review status: criteria provided, multiple submitters, no conflicts (2 of 4 stars). 2 submissions from 2 submitters: Benign (1); Likely benign (1). Last evaluated 2026-07-27.

Conditions:
Sessile serrated polyposis cancer syndrome (SSPCS). Identifiers: Orphanet 157798, MedGen C4310714, MONDO:0014919, OMIM 617108.

Submissions (2):

Ambry Genetics
Classification: Likely benign. Last evaluated: 2026-07-27. Review status: criteria provided, single submitter. Criteria: Ambry Variant Classification Scheme 2023. Collection method: clinical testing. Allele origin: germline.

Myriad Genetics, Inc.
Classification: Benign for Sessile serrated polyposis cancer syndrome. Last evaluated: 2026-07-02. Review status: criteria provided, single submitter. Criteria: Myriad Autosomal Dominant, Autosomal Recessive and X-Linked Classification Criteria (2023). Collection method: clinical testing. Allele origin: unknown.
Comment: This variant is considered benign. This variant is a silent/synonymous amino acid change and it is not expected to impact splicing.

NM_017763.6(RNF43):c.1950A>G (p.Arg650=)

Gene: RNF43 (ring finger protein 43; minus strand). Cytogenetic location: 17q22.
Variant type: single nucleotide variant.
Coding change: c.1950A>G on transcript NM_017763.6 (MANE Select); coding-DNA position 1950, A replaced by G.
Protein change: p.Arg650=; no amino-acid change (arginine 650 retained).
Molecular consequence: synonymous variant.
Genome position (GRCh38, 1-based): chr17:58,357,826, T>C on the plus strand (A>G on the coding strand, the complement: RNF43 is on the minus strand). VCF-style: chr17-58357826-T-C. GRCh37 (hg19) VCF-style: chr17-56435187-T-C.
Other names: c.1950A>G, p.Arg650= (NM_001438820.1, NM_001438821.1, NM_001438822.1 and 1 more transcripts); c.1569A>G, p.Arg523= (NM_001305545.2, NM_001437987.1).
Identifiers: ClinVar variation 5028341 (VCV005028341.2).